The following is an entry in ClinVar:

ClinVar aggregate classification (germline): Uncertain significance (1 of 4 stars; one submission).

Conditions:
Cardiovascular phenotype. Identifiers: MedGen CN230736.

Allele frequency attached by ClinVar (database versions not stated): ExAC 0.00001; gnomAD 0.00001; TOPMed 0.00001; 1000 Genomes Project 30x 0.00016; 1000 Genomes Project 0.00020.
gnomAD v4.1: 3 of 1,614,212 alleles (0.00019%); highest among the groups gnomAD compares: African/African-American, 0.004%; no homozygotes.

Submission:

Ambry Genetics
Classification: Uncertain significance for Cardiovascular phenotype. Last evaluated: 2023-12-12. Review status: criteria provided, single submitter. Criteria: Ambry Variant Classification Scheme 2023. Collection method: clinical testing. Allele origin: germline.
Comment: The p.S727P variant (also known as c.2179T>C), located in coding exon 17 of the LAMA4 gene, results from a T to C substitution at nucleotide position 2179. The serine at codon 727 is replaced by proline, an amino acid with similar properties. This amino acid position is conserved. In addition, this alteration is predicted to be tolerated by in silico analysis. Since supporting evidence is limited at this time, the clinical significance of this alteration remains unclear.

NM_001105206.3(LAMA4):c.2200T>C (p.Ser734Pro)

Gene: LAMA4 (laminin subunit alpha 4; minus strand). Cytogenetic location: 6q21.
Variant type: single nucleotide variant.
Coding change: c.2200T>C on transcript NM_001105206.3 (MANE Select); coding-DNA position 2200, T replaced by C.
Protein change: p.Ser734Pro; replaces serine 734 with proline.
Molecular consequence: missense variant.
Genome position (GRCh38, 1-based): chr6:112,148,310, A>G on the plus strand (T>C on the coding strand, the complement: LAMA4 is on the minus strand). VCF-style: chr6-112148310-A-G. GRCh37 (hg19) VCF-style: chr6-112469512-A-G.
Other names: c.2179T>C, p.Ser727Pro (NM_001105207.3, NM_002290.5); short protein forms S727P, S734P.
Identifiers: ClinVar variation 3222028 (VCV003222028.1), dbSNP rs571124931, ClinGen allele CA3965535.